The following is an entry in ClinVar:

NM_002691.4(POLD1):c.968A>G (p.Lys323Arg)

Gene: POLD1 (DNA polymerase delta 1, catalytic subunit; plus strand). Cytogenetic location: 19q13.33.
Variant type: single nucleotide variant.
Coding change: c.968A>G on transcript NM_002691.4 (MANE Select); coding-DNA position 968, A replaced by G.
Protein change: p.Lys323Arg; replaces lysine 323 with arginine.
Molecular consequence: missense variant. On other transcripts: non-coding transcript variant (1).
Genome position (GRCh38, 1-based): chr19:50,402,739, A>G. VCF-style: chr19-50402739-A-G. GRCh37 (hg19) VCF-style: chr19-50905996-A-G.
Other names: c.968A>G, p.Lys323Arg (NM_001256849.1, NM_001308632.1); short protein forms K323R.
Identifiers: ClinVar variation 408036 (VCV000408036.19), dbSNP rs1060501828, ClinGen allele CA16616368.

ClinVar aggregate classification (germline): Uncertain significance. Review status: criteria provided, multiple submitters, no conflicts (2 of 4 stars). 5 submissions from 5 submitters: Uncertain significance (5). Last evaluated 2026-01-20.

Conditions:
POLD1-related polyposis and colorectal cancer syndrome (CRCS10). Also called: Colorectal cancer, susceptibility to, 10; Colorectal cancer 10; COLORECTAL CANCER, SUSCEPTIBILITY TO, ON CHROMOSOME 19q. Identifiers: Orphanet 220460, MedGen C2675481, MONDO:0012953, OMIM 612591.
Hereditary cancer-predisposing syndrome. Also called: Neoplastic Syndromes, Hereditary; Hereditary neoplastic syndrome; Hereditary Cancer Syndrome; Tumor predisposition. Identifiers: Orphanet 140162, MedGen C0027672, MeSH D009386, MONDO:0015356.

Allele frequency attached by ClinVar (database versions not stated): gnomAD exomes 0.00001; TOPMed 0.00001.
gnomAD v4.1: 3 of 1,590,334 alleles (0.00019%); highest among the groups gnomAD compares: South Asian, 0.0011%; no homozygotes.

Submissions (5):

Labcorp Genetics (formerly Invitae), Labcorp
Classification: Uncertain significance for POLD1-related polyposis and colorectal cancer syndrome. Last evaluated: 2026-01-20. Review status: criteria provided, single submitter. Criteria: Invitae Variant Classification Sherloc (09022015). Collection method: clinical testing. Allele origin: germline.
Comment: This sequence change replaces lysine, which is basic and polar, with arginine, which is basic and polar, at codon 323 of the POLD1 protein (p.Lys323Arg). This variant is not present in population databases (gnomAD no frequency). This variant has not been reported in the literature in individuals affected with POLD1-related conditions. ClinVar contains an entry for this variant (Variation ID: 408036). An algorithm developed to predict the effect of missense changes on protein structure and function (PolyPhen-2) suggests that this variant is likely to be disruptive. RNA analysis performed to evaluate the impact of this missense change on mRNA splicing indicates it does not significantly alter splicing (internal data). In summary, the available evidence is currently insufficient to determine the role of this variant in disease. Therefore, it has been classified as a Variant of Uncertain Significance.

Ambry Genetics
Classification: Uncertain significance for Hereditary cancer-predisposing syndrome. Last evaluated: 2024-05-25. Review status: criteria provided, single submitter. Criteria: Ambry Variant Classification Scheme 2023. Collection method: clinical testing. Allele origin: germline.
Comment: The p.K323R variant (also known as c.968A>G), located in coding exon 7 of the POLD1 gene, results from an A to G substitution at nucleotide position 968. The lysine at codon 323 is replaced by arginine, an amino acid with highly similar properties. This amino acid position is conserved. In addition, this alteration is predicted to be tolerated by in silico analysis. Since supporting evidence is limited at this time, the clinical significance of this alteration remains unclear.

Baylor Genetics
Classification: Uncertain significance for POLD1-related polyposis and colorectal cancer syndrome. Last evaluated: 2023-11-09. Review status: criteria provided, single submitter. Criteria: ACMG Guidelines, 2015. Collection method: clinical testing. Allele origin: unknown.

GeneDx
Classification: Uncertain significance. Last evaluated: 2023-09-07. Review status: criteria provided, single submitter. Criteria: GeneDx Variant Classification Process June 2021. Collection method: clinical testing. Allele origin: germline. Affected: yes.
Comment: Not observed at significant frequency in large population cohorts (gnomAD); In silico analysis supports that this missense variant has a deleterious effect on protein structure/function; Has not been previously published as pathogenic or benign to our knowledge; This variant is associated with the following publications: (PMID: 20951805)

Sema4
Classification: Uncertain significance for Hereditary cancer-predisposing syndrome. Last evaluated: 2021-11-18. Review status: criteria provided, single submitter. Criteria: Sema4 Curation Guidelines. Collection method: curation. Allele origin: germline.
Comment: The POLD1 c.968A>G (p.K323R) variant has not been reported in the literature to our knowledge. It was not observed in the large and broad cohorts of the Genome Aggregation Database, but has been reported in ClinVar (Variation ID 408036). Functional studies have not been performed, and in silico predictions of the variant's effect on protein function are inconclusive. The evidence is insufficient to meet ACMG/AMP criteria for classifying the variant as benign or pathogenic. Thus, the clinical significance of this variant is currently uncertain.